The following is an entry in ClinVar:

NM_001358530.2(MOCS1):c.986G>T (p.Cys329Phe)

Gene: MOCS1 (molybdenum cofactor synthesis 1; minus strand). Cytogenetic location: 6p21.2.
Variant type: single nucleotide variant.
Coding change: c.986G>T on transcript NM_001358530.2 (MANE Select); coding-DNA position 986, G replaced by T.
Protein change: p.Cys329Phe; replaces cysteine 329 with phenylalanine.
Molecular consequence: missense variant. On other transcripts: non-coding transcript variant (1).
Genome position (GRCh38, 1-based): chr6:39,909,951, C>A on the plus strand (G>T on the coding strand, the complement: MOCS1 is on the minus strand). VCF-style: chr6-39909951-C-A. GRCh37 (hg19) VCF-style: chr6-39877695-C-A.
Other names: c.986G>T, p.Cys329Phe (NM_001075098.4, NM_001358529.2, NM_005943.6); c.725G>T, p.Cys242Phe (NM_001358531.2, NM_001358533.2, NM_001358534.2); short protein forms C329F, C242F.
Identifiers: ClinVar variation 5008941 (VCV005008941.1).
Genomic context (GRCh38, chr6:39,909,951, plus strand): 5'-TGCTCAGAGGCCCCAGCTCGCAGGTGATCCCGCAGGGATACCTCAGAGTTTCCAAAGAGG[C>A]AGACCTACATGTGGGTGAGGACAATATGCCTTCCTTACCCCTGAGCCTTGGCCTCCTGGC-3'
Protein context (NP_001345459.1, residues 319-339): RITADGNLKV[Cys329Phe]LFGNSEVSLR

ClinVar aggregate classification (germline): Uncertain significance (1 of 4 stars; one submission).

Submission:

GeneDx
Classification: Uncertain significance. Last evaluated: 2026-03-10. Review status: criteria provided, single submitter. Criteria: GeneDx Variant Classification Process June 2021. Collection method: clinical testing. Allele origin: germline.
Comment: Not observed at significant frequency in large population cohorts (gnomAD); In silico analysis supports that this missense variant has a deleterious effect on protein structure/function; Has not been previously published as pathogenic or benign to our knowledge